The following is an entry in ClinVar:

NM_058172.6(ANTXR2):c.*1563A>G

Gene: ANTXR2 (ANTXR cell adhesion molecule 2; minus strand). Cytogenetic location: 4q21.21.
Variant type: single nucleotide variant.
Coding change: c.*1563A>G on transcript NM_058172.6 (MANE Select); 1563 bases downstream of the stop codon, A replaced by G.
Molecular consequence: 3 prime UTR variant.
Genome position (GRCh38, 1-based): chr4:79,905,866, T>C on the plus strand (A>G on the coding strand, the complement: ANTXR2 is on the minus strand). VCF-style: chr4-79905866-T-C. GRCh37 (hg19) VCF-style: chr4-80827020-T-C.
Other names: c.*1563A>G (NM_001286780.2, NM_001286781.2).
Identifiers: ClinVar variation 905458 (VCV000905458.4), dbSNP rs143402499, ClinGen allele CA100488478.

ClinVar aggregate classification (germline): Likely benign (1 of 4 stars; one submission).

Conditions:
Hyaline fibromatosis syndrome (HFS). Also called: Hyalinosis, Inherited Systemic; HYALINOSIS, SYSTEMIC. Identifiers: Orphanet 2028, Orphanet 498474, MedGen C5574677, MONDO:0009229, OMIM 228600.

Allele frequency attached by ClinVar (database versions not stated): 1000 Genomes Project 0.00359; gnomAD 0.00359 and 0.00386; 1000 Genomes Project 30x 0.00390; TOPMed 0.00402.

Submission:

Illumina Laboratory Services, Illumina
Classification: Likely benign for Hyaline fibromatosis syndrome. Last evaluated: 2018-01-13. Review status: criteria provided, single submitter. Criteria: ICSL Variant Classification Criteria 13 December 2019. Collection method: clinical testing. Allele origin: germline.
Comment: This variant was observed in the ICSL laboratory as part of a predisposition screen in an ostensibly healthy population. It had not been previously curated by ICSL or reported in the Human Gene Mutation Database (HGMD: prior to June 1st, 2018), and was therefore a candidate for classification through an automated scoring system. Utilizing variant allele frequency, disease prevalence and penetrance estimates, and inheritance mode, an automated score was calculated to assess if this variant is too frequent to cause the disease. Based on the score and internal cut-off values, a variant classified as likely benign is not then subjected to further curation. The score for this variant resulted in a classification of likely benign for this disease.